The following is an entry in ClinVar:

NM_005633.4(SOS1):c.3808A>G (p.Arg1270Gly)

Gene: SOS1 (SOS Ras/Rac guanine nucleotide exchange factor 1; minus strand). Cytogenetic location: 2p22.1.
Variant type: single nucleotide variant.
Coding change: c.3808A>G on transcript NM_005633.4 (MANE Select); coding-DNA position 3808, A replaced by G.
Protein change: p.Arg1270Gly; replaces arginine 1270 with glycine.
Molecular consequence: missense variant.
Genome position (GRCh38, 1-based): chr2:38,986,018, T>C on the plus strand (A>G on the coding strand, the complement: SOS1 is on the minus strand). VCF-style: chr2-38986018-T-C. GRCh37 (hg19) VCF-style: chr2-39213159-T-C.
Other names: c.3787A>G, p.Arg1263Gly (NM_001382394.1); c.3763A>G, p.Arg1255Gly (NM_001382395.1); short protein forms R1263G, R1270G, R1255G.
Identifiers: ClinVar variation 2766081 (VCV002766081.3), dbSNP rs1668545674, ClinGen allele CA346362278.

ClinVar aggregate classification (germline): Uncertain significance (1 of 4 stars; one submission).

Conditions:
RASopathy. Also called: Noonan spectrum disorder; rasopathies. Identifiers: Orphanet 536391, MedGen C5555857, MONDO:0021060.

Allele frequency attached by ClinVar (database versions not stated): gnomAD exomes below 0.00001; TOPMed below 0.00001.
gnomAD v4.1: 1 of 1,613,956 alleles (0.000062%); highest among the groups gnomAD compares: Non-Finnish European, 0.000085%; no homozygotes.

Submission:

Labcorp Genetics (formerly Invitae), Labcorp
Classification: Uncertain significance for RASopathy. Last evaluated: 2025-10-12. Review status: criteria provided, single submitter. Criteria: Invitae Variant Classification Sherloc (09022015). Collection method: clinical testing. Allele origin: germline.
Comment: This sequence change replaces arginine, which is basic and polar, with glycine, which is neutral and non-polar, at codon 1270 of the SOS1 protein (p.Arg1270Gly). This variant is not present in population databases (gnomAD no frequency). This variant has not been reported in the literature in individuals affected with SOS1-related conditions. ClinVar contains an entry for this variant (Variation ID: 2766081). Invitae Evidence Modeling of protein sequence and biophysical properties (such as structural, functional, and spatial information, amino acid conservation, physicochemical variation, residue mobility, and thermodynamic stability) indicates that this missense variant is not expected to disrupt SOS1 protein function with a negative predictive value of 95%. In summary, the available evidence is currently insufficient to determine the role of this variant in disease. Therefore, it has been classified as a Variant of Uncertain Significance.